The following is an entry in ClinVar:

NM_024747.6(HPS6):c.1226G>A (p.Gly409Glu)

Gene: HPS6 (HPS6 biogenesis of lysosomal organelles complex 2 subunit 3; plus strand). Cytogenetic location: 10q24.32.
Variant type: single nucleotide variant.
Coding change: c.1226G>A on transcript NM_024747.6 (MANE Select); coding-DNA position 1226, G replaced by A.
Protein change: p.Gly409Glu; replaces glycine 409 with glutamic acid.
Molecular consequence: missense variant.
Genome position (GRCh38, 1-based): chr10:102,066,700, G>A. VCF-style: chr10-102066700-G-A. GRCh37 (hg19) VCF-style: chr10-103826457-G-A.
Other names: short protein forms G409E.
Identifiers: ClinVar variation 2060847 (VCV002060847.4), dbSNP rs2540987730, ClinGen allele CA377865686.
Genomic context (GRCh38, chr10:102,066,700, plus strand): 5'-AAGCCCCACAGGGTGTTGAGTTGCCTTCAGCCAAGGATCTGGTGTTTGAGGAGGCCTGCG[G>A]GTACTACCAGCGGCGGAGCCTGCGGGGTGCCCAGCTCACTCCAGAAGAACTGAGACACAG-3'
Protein context (NP_079023.2, residues 399-419): AKDLVFEEAC[Gly409Glu]YYQRRSLRGA

ClinVar aggregate classification (germline): Uncertain significance (1 of 4 stars; one submission).

Allele frequency attached by ClinVar (database versions not stated): gnomAD exomes below 0.00001.
gnomAD v4.1: 1 of 1,613,940 alleles (0.000062%); highest among the groups gnomAD compares: Non-Finnish European, 0.000085%; no homozygotes.

Submission:

Labcorp Genetics (formerly Invitae), Labcorp
Classification: Uncertain significance. Last evaluated: 2022-07-11. Review status: criteria provided, single submitter. Criteria: Invitae Variant Classification Sherloc (09022015). Collection method: clinical testing. Allele origin: germline.
Comment: In summary, the available evidence is currently insufficient to determine the role of this variant in disease. Therefore, it has been classified as a Variant of Uncertain Significance. Algorithms developed to predict the effect of missense changes on protein structure and function output the following: SIFT: "Tolerated"; PolyPhen-2: "Benign"; Align-GVGD: "Class C0". The glutamic acid amino acid residue is found in multiple mammalian species, which suggests that this missense change does not adversely affect protein function. This variant has not been reported in the literature in individuals affected with HPS6-related conditions. This variant is not present in population databases (gnomAD no frequency). This sequence change replaces glycine, which is neutral and non-polar, with glutamic acid, which is acidic and polar, at codon 409 of the HPS6 protein (p.Gly409Glu).